The following is an entry in ClinVar:

NM_005085.4(NUP214):c.2580C>T (p.Thr860=)

Gene: NUP214 (nucleoporin 214; plus strand). Cytogenetic location: 9q34.13.
Variant type: single nucleotide variant.
Coding change: c.2580C>T on transcript NM_005085.4 (MANE Select); coding-DNA position 2580, C replaced by T.
Protein change: p.Thr860=; no amino-acid change (threonine 860 retained).
Molecular consequence: synonymous variant.
Genome position (GRCh38, 1-based): chr9:131,163,030, C>T. VCF-style: chr9-131163030-C-T. GRCh37 (hg19) VCF-style: chr9-134038417-C-T.
Other names: c.2550C>T, p.Thr850= (NM_001318324.2).
Identifiers: ClinVar variation 3034125 (VCV003034125.2), dbSNP rs780571998, ClinGen allele CA200688417.
Genomic context (GRCh38, chr9:131,163,030, plus strand): 5'-TTTTCTCATTGTTGTCAACAGGCACCTGCTTGTGCCAGAGCGAGAGACACTGTTTAACAC[C>T]CTAGCCAACAATCGGGAAATCATCAACCAACAGAGGAAGAGGCTGAATCACCTGGTGGAT-3'
Protein context (NP_005076.3, residues 850-870): LVPERETLFN[Thr860=]LANNREIINQ

ClinVar aggregate classification (germline): Likely benign (0 of 4 stars; one submission).

Conditions:
NUP214-related disorder. Also called: NUP214-related condition; NUP214-related disorders.

Allele frequency attached by ClinVar (database versions not stated): gnomAD exomes 0.00001; TOPMed 0.00001; gnomAD 0.00003.
gnomAD v4.1: 14 of 1,613,996 alleles (0.00087%); highest among the groups gnomAD compares: African/African-American, 0.0013%; no homozygotes.

Submission:

PreventionGenetics, part of Exact Sciences
Classification: Likely benign for NUP214-related condition. Last evaluated: 2019-10-28. Review status: no assertion criteria provided. Collection method: clinical testing. Allele origin: germline.
Comment: This variant is classified as likely benign based on ACMG/AMP sequence variant interpretation guidelines (Richards et al. 2015 PMID: 25741868, with internal and published modifications).